The following is an entry in ClinVar:

NM_024642.5(GALNT12):c.1325G>T (p.Arg442Met)

Gene: GALNT12 (polypeptide N-acetylgalactosaminyltransferase 12; plus strand). Cytogenetic location: 9q22.33.
Variant type: single nucleotide variant.
Coding change: c.1325G>T on transcript NM_024642.5 (MANE Select); coding-DNA position 1325, G replaced by T.
Protein change: p.Arg442Met; replaces arginine 442 with methionine.
Molecular consequence: missense variant.
Genome position (GRCh38, 1-based): chr9:98,840,114, G>T. VCF-style: chr9-98840114-G-T. GRCh37 (hg19) VCF-style: chr9-101602396-G-T.
Other names: short protein forms R442M.
Identifiers: ClinVar variation 1769997 (VCV001769997.2), dbSNP rs1836251340, ClinGen allele CA374221124.

ClinVar aggregate classification (germline): Uncertain significance (1 of 4 stars; one submission).

Submission:

Ambry Genetics
Classification: Uncertain significance. Last evaluated: 2022-07-30. Review status: criteria provided, single submitter. Criteria: Ambry Variant Classification Scheme 2023. Collection method: clinical testing. Allele origin: germline.
Comment: The p.R442M variant (also known as c.1325G>T), located in coding exon 7 of the GALNT12 gene, results from a G to T substitution at nucleotide position 1325. The arginine at codon 442 is replaced by methionine, an amino acid with similar properties. This amino acid position is well conserved in available vertebrate species. In addition, this alteration is predicted to be tolerated by in silico analysis. Since supporting evidence is limited at this time, the clinical significance of this alteration remains unclear.